The following is an entry in ClinVar:

NM_001918.5(DBT):c.364dup (p.Tyr122fs)

Gene: DBT (dihydrolipoamide branched chain transacylase E2; minus strand). Cytogenetic location: 1p21.2.
Variant type: Duplication.
Coding change: c.364dup on transcript NM_001918.5 (MANE Select); coding-DNA position 364, one base duplicated (T; older notation c.364dupT).
Protein change: p.Tyr122fs; shifts the reading frame from tyrosine 122.
Molecular consequence: frameshift variant. On other transcripts: 5 prime UTR variant (2), non-coding transcript variant (3).
Genome position (GRCh38, 1-based): chr1:100,230,802, A duplicated on the plus strand (T on the coding strand, the reverse complement: DBT is on the minus strand). VCF-style (leftmost placement, unchanged base first): chr1-100230801-T-TA. GRCh37 (hg19) VCF-style: chr1-100696357-T-TA.
Other names: c.-180dup (NM_001399969.1, NM_001399972.1); short protein forms Y122fs.
Identifiers: ClinVar variation 2757741 (VCV002757741.4), dbSNP rs2524216621, ClinGen allele CA2697552561.
Genomic context (GRCh38, chr1:100,230,801, plus strand): 5'-GCTTCCGTTTCTATGTCTACTAATGGCTTCCCCACATAGGCAATATCGTCTAGATTATAA[T>TA]AGAGTTTTTTAATGACTCCATCATAACGACTAGTGATGGTAACAGAAGCTTTATCACTTT-3'

ClinVar aggregate classification (germline): Pathogenic. Review status: criteria provided, multiple submitters, no conflicts (2 of 4 stars). 2 submissions from 2 submitters: Pathogenic (2). Last evaluated 2026-04-27.

Conditions:
Maple syrup urine disease (MSUD). Identifiers: Orphanet 511, MedGen C0024776, MeSH D008375, MONDO:0009563. Disease mechanism: loss of function.

Submissions (2):

Dasa
Classification: Pathogenic. Last evaluated: 2026-04-27. Review status: criteria provided, single submitter. Criteria: DASA Assertion Criteria. Collection method: clinical testing. Allele origin: germline.
Comment: NM_001918.5(DBT):c.364dup (p.Tyr122Leufs*3) introduces a premature termination codon predicted to result in loss of normal protein function. Loss-of-function is an established mechanism of disease for this gene. The variant is present at low frequency in population datasets. Based on the available data, this variant is classified as pathogenic.

Labcorp Genetics (formerly Invitae), Labcorp
Classification: Pathogenic for Maple syrup urine disease. Last evaluated: 2023-09-03. Review status: criteria provided, single submitter. Criteria: Invitae Variant Classification Sherloc (09022015). Collection method: clinical testing. Allele origin: germline.
Comment: For these reasons, this variant has been classified as Pathogenic. This variant has not been reported in the literature in individuals affected with DBT-related conditions. This variant is not present in population databases (gnomAD no frequency). This sequence change creates a premature translational stop signal (p.Tyr122Leufs*3) in the DBT gene. It is expected to result in an absent or disrupted protein product. Loss-of-function variants in DBT are known to be pathogenic (PMID: 16579849, 16786533).

Literature cited by the submitters: PubMed 16579849 (cited by Labcorp Genetics (formerly Invitae), Labcorp); PubMed 16786533 (cited by Labcorp Genetics (formerly Invitae), Labcorp).